The following is an entry in ClinVar:

ClinVar aggregate classification (germline): Likely benign (0 of 4 stars; one submission).

Conditions:
INPP5E-related disorder. Also called: INPP5E-related condition.

Submission:

PreventionGenetics, part of Exact Sciences
Classification: Likely benign for INPP5E-related condition. Last evaluated: 2023-09-01. Review status: no assertion criteria provided. Collection method: clinical testing. Allele origin: germline.
Comment: This variant is classified as likely benign based on ACMG/AMP sequence variant interpretation guidelines (Richards et al. 2015 PMID: 25741868, with internal and published modifications).

NM_019892.6(INPP5E):c.207C>T (p.Pro69=)

Gene: INPP5E (inositol polyphosphate-5-phosphatase E; minus strand). Cytogenetic location: 9q34.3.
Variant type: single nucleotide variant.
Coding change: c.207C>T on transcript NM_019892.6 (MANE Select); coding-DNA position 207, C replaced by T.
Protein change: p.Pro69=; no amino-acid change (proline 69 retained).
Molecular consequence: synonymous variant.
Genome position (GRCh38, 1-based): chr9:136,439,213, G>A on the plus strand (C>T on the coding strand, the complement: INPP5E is on the minus strand). VCF-style: chr9-136439213-G-A. GRCh37 (hg19) VCF-style: chr9-139333665-G-A.
Other names: c.207C>T, p.Pro69= (NM_001318502.2).
Identifiers: ClinVar variation 3348509 (VCV003348509.1).